The following is an entry in ClinVar:

NM_004655.4(AXIN2):c.1139A>G (p.Lys380Arg)

Gene: AXIN2 (axin 2; minus strand). Cytogenetic location: 17q24.1.
Variant type: single nucleotide variant.
Coding change: c.1139A>G on transcript NM_004655.4 (MANE Select); coding-DNA position 1139, A replaced by G.
Protein change: p.Lys380Arg; replaces lysine 380 with arginine.
Molecular consequence: missense variant.
Genome position (GRCh38, 1-based): chr17:65,538,264, T>C on the plus strand (A>G on the coding strand, the complement: AXIN2 is on the minus strand). VCF-style: chr17-65538264-T-C. GRCh37 (hg19) VCF-style: chr17-63534382-T-C.
Other names: c.1139A>G, p.Lys380Arg (NM_001363813.1); short protein forms K380R.
Identifiers: ClinVar variation 1730550 (VCV001730550.2), dbSNP rs2544182300, ClinGen allele CA400678345.

ClinVar aggregate classification (germline): Uncertain significance (1 of 4 stars; one submission).

Conditions:
Hereditary cancer-predisposing syndrome. Also called: Neoplastic Syndromes, Hereditary; Tumor predisposition; Hereditary Cancer Syndrome; Hereditary neoplastic syndrome. Identifiers: Orphanet 140162, MedGen C0027672, MeSH D009386, MONDO:0015356.

Submission:

Ambry Genetics
Classification: Uncertain significance for Hereditary cancer-predisposing syndrome. Last evaluated: 2022-08-29. Review status: criteria provided, single submitter. Criteria: Ambry Variant Classification Scheme 2023. Collection method: clinical testing. Allele origin: germline.
Comment: The p.K380R variant (also known as c.1139A>G), located in coding exon 4 of the AXIN2 gene, results from an A to G substitution at nucleotide position 1139. The lysine at codon 380 is replaced by arginine, an amino acid with highly similar properties. This amino acid position is conserved. In addition, this alteration is predicted to be tolerated by in silico analysis. Since supporting evidence is limited at this time, the clinical significance of this alteration remains unclear.